The following is an entry in ClinVar:

NM_144643.4(SCLT1):c.1429C>T (p.Leu477Phe)

Gene: SCLT1 (sodium channel and clathrin linker 1; minus strand). Cytogenetic location: 4q28.2.
Variant type: single nucleotide variant.
Coding change: c.1429C>T on transcript NM_144643.4 (MANE Select); coding-DNA position 1429, C replaced by T.
Protein change: p.Leu477Phe; replaces leucine 477 with phenylalanine.
Molecular consequence: missense variant.
Genome position (GRCh38, 1-based): chr4:128,946,017, G>A on the plus strand (C>T on the coding strand, the complement: SCLT1 is on the minus strand). VCF-style: chr4-128946017-G-A. GRCh37 (hg19) VCF-style: chr4-129867172-G-A.
Other names: c.1429C>T, p.Leu477Phe (NM_001410807.1); short protein forms L477F.
Identifiers: ClinVar variation 1955485 (VCV001955485.5), dbSNP rs2530354196, ClinGen allele CA358186404.

ClinVar aggregate classification (germline): Uncertain significance (1 of 4 stars; one submission).

Submission:

Labcorp Genetics (formerly Invitae), Labcorp
Classification: Uncertain significance. Last evaluated: 2022-03-13. Review status: criteria provided, single submitter. Criteria: Invitae Variant Classification Sherloc (09022015). Collection method: clinical testing. Allele origin: germline.
Comment: In summary, the available evidence is currently insufficient to determine the role of this variant in disease. Therefore, it has been classified as a Variant of Uncertain Significance. Algorithms developed to predict the effect of missense changes on protein structure and function are either unavailable or do not agree on the potential impact of this missense change (SIFT: "Deleterious"; PolyPhen-2: "Probably Damaging"; Align-GVGD: "Class C0"). This variant has not been reported in the literature in individuals affected with SCLT1-related conditions. This variant is not present in population databases (gnomAD no frequency). This sequence change replaces leucine, which is neutral and non-polar, with phenylalanine, which is neutral and non-polar, at codon 477 of the SCLT1 protein (p.Leu477Phe).